The following is an entry in ClinVar:

NM_015512.5(DNAH1):c.887A>G (p.Gln296Arg)

Gene: DNAH1 (dynein axonemal heavy chain 1; plus strand). Cytogenetic location: 3p21.1.
Variant type: single nucleotide variant.
Coding change: c.887A>G on transcript NM_015512.5 (MANE Select); coding-DNA position 887, A replaced by G.
Protein change: p.Gln296Arg; replaces glutamine 296 with arginine.
Molecular consequence: missense variant.
Genome position (GRCh38, 1-based): chr3:52,331,163, A>G. VCF-style: chr3-52331163-A-G. GRCh37 (hg19) VCF-style: chr3-52365179-A-G.
Other names: short protein forms Q296R.
Identifiers: ClinVar variation 2064248 (VCV002064248.4), dbSNP rs969817976, ClinGen allele CA74733000.

ClinVar aggregate classification (germline): Uncertain significance (1 of 4 stars; one submission).

Conditions:
Spermatogenic failure 18. Identifiers: MedGen C4539783, MONDO:0054615, OMIM 617576.
Ciliary dyskinesia, primary, 37 (CILD37). Also called: CILIARY DYSKINESIA, PRIMARY, 37, WITH OR WITHOUT SITUS INVERSUS. Identifiers: MedGen C4539798, MONDO:0033204, OMIM 617577.

Allele frequency attached by ClinVar (database versions not stated): gnomAD exomes below 0.00001.
gnomAD v4.1: 2 of 1,596,936 alleles (0.00013%); highest among the groups gnomAD compares: Non-Finnish European, 0.00017%; no homozygotes.

Submission:

Labcorp Genetics (formerly Invitae), Labcorp
Classification: Uncertain significance for Ciliary dyskinesia, primary, 37; Spermatogenic failure 18. Last evaluated: 2022-03-11. Review status: criteria provided, single submitter. Criteria: Invitae Variant Classification Sherloc (09022015). Collection method: clinical testing. Allele origin: germline.
Comment: In summary, the available evidence is currently insufficient to determine the role of this variant in disease. Therefore, it has been classified as a Variant of Uncertain Significance. Algorithms developed to predict the effect of missense changes on protein structure and function output the following: SIFT: "Tolerated"; PolyPhen-2: "Benign"; Align-GVGD: "Class C0". The arginine amino acid residue is found in multiple mammalian species, which suggests that this missense change does not adversely affect protein function. This variant has not been reported in the literature in individuals affected with DNAH1-related conditions. This variant is not present in population databases (gnomAD no frequency). This sequence change replaces glutamine, which is neutral and polar, with arginine, which is basic and polar, at codon 296 of the DNAH1 protein (p.Gln296Arg).